The following is an entry in ClinVar:

ClinVar aggregate classification (germline): Likely benign (1 of 4 stars; one submission).

Conditions:
Developmental and epileptic encephalopathy, 87. Also called: EPILEPTIC ENCEPHALOPATHY, EARLY INFANTILE, 87. Identifiers: MedGen C5394501, MONDO:0030059, OMIM 618916.

Submission:

Victorian Clinical Genetics Services, Murdoch Childrens Research Institute
Classification: Likely benign for Developmental and epileptic encephalopathy, 87. Last evaluated: 2022-03-31. Review status: criteria provided, single submitter. Criteria: ACMG Guidelines, 2015. Collection method: clinical testing. Allele origin: germline. Inheritance: Autosomal dominant inheritance. Affected: yes.
Comment: Based on the classification scheme VCGS_Germline_v1.3.4, this variant is classified as Likely benign. Following criteria are met: 0103 - Loss of function and gain of function are suspected mechanisms of disease in this gene. In vitro kinase assays of two reported variants demonstrated both loss of function and gain of function. However, overexpression studies in zebrafish models suggested a gain-of-function based on the increased fraction of embryos with morphological changes when compared to overexpression of WT cDNA (PMID: 33495529). (I) 0107 - This gene is associated with autosomal dominant disease. (I) 0200 - Variant is predicted to result in a missense amino acid change from aspartic acid to valine. (I) 0251 - This variant is heterozygous. (I) 0301 - Variant is absent from gnomAD (both v2 and v3). (SP) 0501 - Missense variant consistently predicted to be damaging by multiple in silico tools or highly conserved with a major amino acid change. (SP) 0603 - Missense variant in a region that is highly intolerant to missense variation (high constraint region in DECIPHER). (SP) 0705 - No comparable missense variants have previous evidence for pathogenicity. (I) 0807 - This variant has no previous evidence of pathogenicity. (I) 0904 - Non-segregation of this variant with the phenotype under investigation has been clearly demonstrated. (SB) 1007 - No published functional evidence has been identified for this variant. (I) Legend: (SP) - Supporting pathogenic, (I) - Information, (SB) - Supporting benign

Literature cited by the submitters: PubMed 33495529.

NM_015076.5(CDK19):c.410A>T (p.Asp137Val)

Gene: CDK19 (cyclin dependent kinase 19; minus strand). Cytogenetic location: 6q21.
Variant type: single nucleotide variant.
Coding change: c.410A>T on transcript NM_015076.5 (MANE Select); coding-DNA position 410, A replaced by T.
Protein change: p.Asp137Val; replaces aspartic acid 137 with valine.
Molecular consequence: missense variant.
Genome position (GRCh38, 1-based): chr6:110,667,480, T>A on the plus strand (A>T on the coding strand, the complement: CDK19 is on the minus strand). VCF-style: chr6-110667480-T-A. GRCh37 (hg19) VCF-style: chr6-110988683-T-A.
Other names: c.410A>T, p.Asp137Val (NM_001300960.2); c.230A>T, p.Asp77Val (NM_001300963.2, NM_001300964.2); short protein forms D137V, D77V.
Identifiers: ClinVar variation 1805083 (VCV001805083.1), dbSNP rs2535590574, ClinGen allele CA365353883.